The following is an entry in ClinVar:

ClinVar aggregate classification (germline): Uncertain significance (1 of 4 stars; one submission).

Conditions:
Hereditary sensory neuropathy-deafness-dementia syndrome. Also called: Hereditary Sensory and Autonomic Neuropathy Type 1E (HSAN1E); NEUROPATHY, HEREDITARY SENSORY, WITH HEARING LOSS AND DEMENTIA; HSN IE; Hereditary sensory neuropathy type IE. Identifiers: Orphanet 456318, MedGen C3279885, MONDO:0013584, OMIM 614116.

gnomAD v4.1: 1 of 1,614,124 alleles (0.000062%); highest among the groups gnomAD compares: Non-Finnish European, 0.000085%; no homozygotes.

Submission:

Labcorp Genetics (formerly Invitae), Labcorp
Classification: Uncertain significance for Hereditary sensory neuropathy-deafness-dementia syndrome. Last evaluated: 2025-04-17. Review status: criteria provided, single submitter. Criteria: Invitae Variant Classification Sherloc (09022015). Collection method: clinical testing. Allele origin: germline.
Comment: This sequence change falls in intron 17 of the DNMT1 gene. It does not directly change the encoded amino acid sequence of the DNMT1 protein. It affects a nucleotide within the consensus splice site. This variant is not present in population databases (gnomAD no frequency). This variant has not been reported in the literature in individuals affected with DNMT1-related conditions. Variants that disrupt the consensus splice site are a relatively common cause of aberrant splicing (PMID: 17576681, 9536098). Algorithms developed to predict the effect of sequence changes on RNA splicing suggest that this variant is not likely to affect RNA splicing. In summary, the available evidence is currently insufficient to determine the role of this variant in disease. Therefore, it has been classified as a Variant of Uncertain Significance.

Literature cited by the submitters: PubMed 17576681; PubMed 9536098.

NM_001130823.3(DNMT1):c.1280+3A>C

Gene: DNMT1 (DNA methyltransferase 1; minus strand). Cytogenetic location: 19p13.2.
Variant type: single nucleotide variant.
Coding change: c.1280+3A>C on transcript NM_001130823.3 (MANE Select); 3 bases into the intron after coding-DNA position 1280, A replaced by C.
Molecular consequence: intron variant.
Genome position (GRCh38, 1-based): chr19:10,159,655, T>G on the plus strand (A>C on the coding strand, the complement: DNMT1 is on the minus strand). VCF-style: chr19-10159655-T-G. GRCh37 (hg19) VCF-style: chr19-10270331-T-G.
Other names: c.917+3A>C (NM_001318731.2); c.1232+3A>C (NM_001379.4, NM_001318730.2).
Identifiers: ClinVar variation 4716369 (VCV004716369.1).